The following is an entry in ClinVar:

ClinVar aggregate classification (germline): Likely pathogenic (1 of 4 stars; one submission).

Conditions:
Cerebellar atrophy, visual impairment, and psychomotor retardation;. Also called: Cerebellar atrophy, visual impairment, and psychomotor retardation. Identifiers: MedGen C4225172, MONDO:0014811, OMIM 616875.

Submission:

Neuberg Centre For Genomic Medicine, NCGM
Classification: Likely pathogenic for Cerebellar atrophy, visual impairment, and psychomotor retardation;. Review status: criteria provided, single submitter. Criteria: ACMG Guidelines, 2015. Collection method: clinical testing. Allele origin: germline. Inheritance: Autosomal recessive inheritance. Affected: yes.
Comment: The observed invariant splice acceptor c.955-2A>C variant in EMC1 gene has not been reported previously as a pathogenic variant nor a benign variant, to our knowledge. The c.955-2A>C variant is absent in gnomAD Exomes. This variant has not been submitted to the ClinVar database. Loss of function variants have been previously reported to be disease causing. However, additional functional studies will be required to prove the pathoenicity of this variant. For these reasons, this variant has been classified as Likely Pathogenic.

NM_015047.3(EMC1):c.955-2A>C

Genes: EMC1 (ER membrane protein complex subunit 1; minus strand), EMC1-AS1 (EMC1 antisense RNA 1; plus strand). Cytogenetic location: 1p36.13.
Variant type: single nucleotide variant.
Coding change: c.955-2A>C on transcript NM_015047.3 (MANE Select); the canonical splice acceptor site of the intron before coding-DNA position 955, A replaced by C.
Molecular consequence: splice acceptor variant.
Genome position (GRCh38, 1-based): chr1:19,239,304, T>G on the plus strand (A>C on the coding strand, the complement: EMC1 is on the minus strand). VCF-style: chr1-19239304-T-G. GRCh37 (hg19) VCF-style: chr1-19565798-T-G.
Other names: c.889-2A>C (NM_001271429.2); c.955-2A>C (NM_001271427.2, NM_001375821.1, NM_001271428.2 and 1 more transcripts).
Identifiers: ClinVar variation 3242061 (VCV003242061.1), dbSNP rs2536775591.